The following is an entry in ClinVar:

NM_006185.4(NUMA1):c.978+5G>T

Genes: NUMA1 (nuclear mitotic apparatus protein 1; minus strand), NUMA1-AS1 (NUMA1 antisense RNA 1; plus strand), LOC126861257 (BRD4-independent group 4 enhancer GRCh37_chr11:71728895-71730094; plus strand). Cytogenetic location: 11q13.4.
Variant type: single nucleotide variant.
Coding change: c.978+5G>T on transcript NM_006185.4 (MANE Select); 5 bases into the intron after coding-DNA position 978, G replaced by T.
Molecular consequence: intron variant. On other transcripts: non-coding transcript variant (1).
Genome position (GRCh38, 1-based): chr11:72,018,178, C>A on the plus strand (G>T on the coding strand, the complement: NUMA1 is on the minus strand). VCF-style: chr11-72018178-C-A. GRCh37 (hg19) VCF-style: chr11-71729224-C-A.
Other names: c.978+5G>T (NM_001286561.2).
Identifiers: ClinVar variation 4984942 (VCV004984942.1).
Genomic context (GRCh38, chr11:72,018,178, plus strand): 5'-TGGGGAGCCTTCCAGACCACCTCAGCCCTGAGGGGCCTCCATGCACACACCACCTTAACA[C>A]CCACCTTAAAGGAAAGGTCTCCATTCTCCTCCGAAAGCTGGTTGATTTTGCGATCCATCT-3'

ClinVar aggregate classification (germline): Uncertain significance (1 of 4 stars; one submission).

Conditions:
NUMA1-related disorder. Also called: NUMA1-related condition.

Submission:

PreventionGenetics, part of Exact Sciences
Classification: Uncertain significance for NUMA1-related condition. Last evaluated: 2026-08-06. Review status: criteria provided, single submitter. Criteria: ACMG Guidelines, 2015. Collection method: clinical testing. Allele origin: germline.
Comment: The NUMA1 c.978+5G>T variant is predicted to interfere with splicing. To our knowledge, this variant has not been reported in the literature or in a large population database (gnomAD), indicating this variant is rare. At this time, the clinical significance of this variant is uncertain due to the absence of conclusive functional and genetic evidence.